The following is an entry in ClinVar:

NM_000482.4(APOA4):c.718_721dup (p.Leu241fs)

Gene: APOA4 (apolipoprotein A4; minus strand). Cytogenetic location: 11q23.3.
Variant type: Duplication.
Coding change: c.718_721dup on transcript NM_000482.4 (MANE Select); coding-DNA positions 718 to 721, 4 bases duplicated (GGCC; older notation c.718_721dupGGCC).
Protein change: p.Leu241fs; shifts the reading frame from leucine 241.
Molecular consequence: frameshift variant.
Genome position (GRCh38, 1-based): chr11:116,821,337-116,821,340, GGCC duplicated on the plus strand (GGCC on the coding strand, the reverse complement: APOA4 is on the minus strand). VCF-style (leftmost placement, unchanged base first): chr11-116821336-A-AGGCC. GRCh37 (hg19) VCF-style: chr11-116692052-A-AGGCC.
Other names: short protein forms L241fs.
Identifiers: ClinVar variation 2958921 (VCV002958921.3), dbSNP rs773581120, ClinGen allele CA6289331.

ClinVar aggregate classification (germline): Uncertain significance (1 of 4 stars; one submission).

Allele frequency attached by ClinVar (database versions not stated): gnomAD exomes 0.00002; TOPMed 0.00002; gnomAD 0.00003; ExAC 0.00005.

Submission:

Labcorp Genetics (formerly Invitae), Labcorp
Classification: Uncertain significance. Last evaluated: 2025-07-09. Review status: criteria provided, single submitter. Criteria: Invitae Variant Classification Sherloc (09022015). Collection method: clinical testing. Allele origin: germline.
Comment: This sequence change creates a premature translational stop signal (p.Leu241Argfs*133) in the APOA4 gene. While this is not anticipated to result in nonsense mediated decay, it is expected to disrupt the last 156 amino acid(s) of the APOA4 protein. This variant is present in population databases (rs773581120, gnomAD 0.006%). This premature translational stop signal has been observed in individual(s) with suspected genetic dyslipidemia (PMID: 36325899). ClinVar contains an entry for this variant (Variation ID: 2958921). Experimental studies and prediction algorithms are not available or were not evaluated, and the functional significance of this variant is currently unknown. In summary, the available evidence is currently insufficient to determine the role of this variant in disease. Therefore, it has been classified as a Variant of Uncertain Significance.

Literature cited by the submitters: PubMed 36325899.